The following is an entry in ClinVar:

ClinVar aggregate classification (germline): Uncertain significance. Review status: criteria provided, multiple submitters, no conflicts (2 of 4 stars). 3 submissions from 3 submitters: Uncertain significance (3). Last evaluated 2024-03-14.

Conditions:
Hypertrophic cardiomyopathy 10. Also called: CARDIOMYOPATHY, HYPERTROPHIC, MID-LEFT VENTRICULAR CHAMBER TYPE, 2; MYL2-Related Familial Hypertrophic Cardiomyopathy. Identifiers: MedGen C1834460, MONDO:0012112, OMIM 608758.
Hypertrophic cardiomyopathy. Also called: HYPERTROPHIC MYOCARDIOPATHY. Identifiers: Orphanet 217569, MedGen C0007194, MeSH D002312, MONDO:0005045, HP:0001639.

Allele frequency attached by ClinVar (database versions not stated): gnomAD exomes below 0.00001.
gnomAD v4.1: 3 of 1,614,216 alleles (0.00019%); highest among the groups gnomAD compares: Non-Finnish European, 0.00025%; no homozygotes.

Submissions (3):

All of Us Research Program, National Institutes of Health
Classification: Uncertain significance for Hypertrophic cardiomyopathy. Last evaluated: 2024-03-14. Review status: criteria provided, single submitter. Criteria: ACMG Guidelines, 2015. Collection method: clinical testing. Allele origin: germline. Inheritance: Autosomal dominant inheritance. Observed: 2 variant alleles, 2 heterozygotes.
Comment: This missense variant replaces valine with methionine at codon 105 of the MYL2 protein. Computational prediction is inconclusive regarding the impact of this variant on protein structure and function (internally defined REVEL score threshold 0.5 < inconclusive < 0.7, PMID: 27666373). To our knowledge, functional studies have not been reported for this variant. This variant has been reported in individuals affected with hypertrophic cardiomyopathy (PMID: 25611685, 27532257). This variant has not been identified in the general population by the Genome Aggregation Database (gnomAD). The available evidence is insufficient to determine the role of this variant in disease conclusively. Therefore, this variant is classified as a Variant of Uncertain Significance.

This study involves interpretation of variants in research participants for the purpose of population health screening. Participant phenotype was not available at the time of variant classification. Additional details can be found in publication PMID: 35346344, PMCID: PMC8962531

Labcorp Genetics (formerly Invitae), Labcorp
Classification: Uncertain significance for Hypertrophic cardiomyopathy 10. Last evaluated: 2023-06-02. Review status: criteria provided, single submitter. Criteria: Invitae Variant Classification Sherloc (09022015). Collection method: clinical testing. Allele origin: germline.
Comment: This sequence change replaces valine, which is neutral and non-polar, with methionine, which is neutral and non-polar, at codon 105 of the MYL2 protein (p.Val105Met). This variant is not present in population databases (gnomAD no frequency). This missense change has been observed in individual(s) with hypertrophic cardiomyopathy (PMID: 27532257). ClinVar contains an entry for this variant (Variation ID: 43465). An algorithm developed to predict the effect of missense changes on protein structure and function (PolyPhen-2) suggests that this variant is likely to be disruptive. In summary, the available evidence is currently insufficient to determine the role of this variant in disease. Therefore, it has been classified as a Variant of Uncertain Significance.

Laboratory for Molecular Medicine, Mass General Brigham Personalized Medicine
Classification: Uncertain significance. Last evaluated: 2010-10-08. Review status: criteria provided, single submitter. Criteria: LMM Criteria. Collection method: clinical testing. Allele origin: germline. Observed: 1 variant allele.
Comment: The Val105Met variant has not been reported in the literature nor has it been se en in over 3700 proband chromosomes sequenced by our laboratory. This low freque ncy increases the likelihood that this variant is pathogenic. While the variant is conserved in closely-related species, it is not conserved in more distant spe cies (fruitfly, worm). However, this phenomenon has been described for known pat hogenic mutations and has been attributed to other, compensatory changes in the species carrying the mutant amino acid (Kondrashov 2002). In summary, we feel th at the available data for the Val105Met variant is insufficient to exclude a pat hogenic role. Therefore, the clinical significance of this variant cannot be det ermined at this time.

Literature cited by the submitters: PubMed 25611685 (cited by All of Us Research Program, National Institutes of Health); PubMed 27532257 (cited by All of Us Research Program, National Institutes of Health and Labcorp Genetics (formerly Invitae), Labcorp).

NM_000432.4(MYL2):c.313G>A (p.Val105Met)

Gene: MYL2 (myosin light chain 2; minus strand). Cytogenetic location: 12q24.11.
Variant type: single nucleotide variant.
Coding change: c.313G>A on transcript NM_000432.4 (MANE Select); coding-DNA position 313, G replaced by A.
Protein change: p.Val105Met; replaces valine 105 with methionine.
Molecular consequence: missense variant.
Genome position (GRCh38, 1-based): chr12:110,913,286, C>T on the plus strand (G>A on the coding strand, the complement: MYL2 is on the minus strand). VCF-style: chr12-110913286-C-T. GRCh37 (hg19) VCF-style: chr12-111351090-C-T.
Other names: short protein forms V105M.
Identifiers: ClinVar variation 43465 (VCV000043465.10), dbSNP rs397516401, ClinGen allele CA010086.